The following is an entry in ClinVar:

NM_001297.5(CNGB1):c.838G>A (p.Glu280Lys)

Gene: CNGB1 (cyclic nucleotide gated channel subunit beta 1; minus strand). Cytogenetic location: 16q21.
Variant type: single nucleotide variant.
Coding change: c.838G>A on transcript NM_001297.5 (MANE Select); coding-DNA position 838, G replaced by A.
Protein change: p.Glu280Lys; replaces glutamic acid 280 with lysine.
Molecular consequence: missense variant.
Genome position (GRCh38, 1-based): chr16:57,957,377, C>T on the plus strand (G>A on the coding strand, the complement: CNGB1 is on the minus strand). VCF-style: chr16-57957377-C-T. GRCh37 (hg19) VCF-style: chr16-57991281-C-T.
Other names: c.838G>A, p.Glu280Lys (NM_001135639.2); c.820G>A, p.Glu274Lys (NM_001286130.2); short protein forms E280K, E274K.
Identifiers: ClinVar variation 847444 (VCV000847444.10), dbSNP rs914509294, ClinGen allele CA281623763.

ClinVar aggregate classification (germline): Uncertain significance. Review status: criteria provided, multiple submitters, no conflicts (2 of 4 stars). 2 submissions from 2 submitters: Uncertain significance (2). Last evaluated 2025-08-21.

Allele frequency attached by ClinVar (database versions not stated): gnomAD exomes below 0.00001 and 0.00002; gnomAD 0.00004 and 0.00005; TOPMed 0.00004.
gnomAD v4.1: 10 of 1,613,926 alleles (0.00062%); highest among the groups gnomAD compares: African/African-American, 0.013%; no homozygotes.

Submissions (2):

Labcorp Genetics (formerly Invitae), Labcorp
Classification: Uncertain significance. Last evaluated: 2025-08-21. Review status: criteria provided, single submitter. Criteria: Invitae Variant Classification Sherloc (09022015). Collection method: clinical testing. Allele origin: germline.
Comment: This sequence change replaces glutamic acid, which is acidic and polar, with lysine, which is basic and polar, at codon 280 of the CNGB1 protein (p.Glu280Lys). This variant is present in population databases (no rsID available, gnomAD 0.02%). This variant has not been reported in the literature in individuals affected with CNGB1-related conditions. ClinVar contains an entry for this variant (Variation ID: 847444). An algorithm developed to predict the effect of missense changes on protein structure and function (PolyPhen-2) suggests that this variant is likely to be disruptive. Algorithms developed to predict the effect of sequence changes on RNA splicing suggest that this variant may disrupt the consensus splice site. In summary, the available evidence is currently insufficient to determine the role of this variant in disease. Therefore, it has been classified as a Variant of Uncertain Significance.

Blueprint Genetics
Classification: Uncertain significance. Last evaluated: 2021-08-15. Review status: criteria provided, single submitter. Criteria: ACMG Guidelines, 2015. Collection method: clinical testing. Allele origin: germline.